The following is an entry in ClinVar:

ClinVar aggregate classification (germline): Likely benign (1 of 4 stars; one submission).

Conditions:
Dalmatian hypouricemia (RHUC1). Identifiers: MedGen C0473219, MONDO:0020728, OMIM 220150.

Allele frequency attached by ClinVar (database versions not stated): gnomAD 0.00006 and 0.00019; TOPMed 0.00016; ExAC 0.00030; gnomAD exomes 0.00031; 1000 Genomes Project 30x 0.00047; 1000 Genomes Project 0.00060.
gnomAD v4.1: 403 of 1,604,988 alleles (0.025%); highest among the groups gnomAD compares: East Asian, 0.79%; 3 homozygotes.

Submission:

Illumina Laboratory Services, Illumina
Classification: Likely benign for Dalmatian hypouricemia. Last evaluated: 2018-01-13. Review status: criteria provided, single submitter. Criteria: ICSL Variant Classification Criteria 13 December 2019. Collection method: clinical testing. Allele origin: germline.
Comment: This variant was observed in the ICSL laboratory as part of a predisposition screen in an ostensibly healthy population. It had not been previously curated by ICSL or reported in the Human Gene Mutation Database (HGMD: prior to June 1st, 2018), and was therefore a candidate for classification through an automated scoring system. Utilizing variant allele frequency, disease prevalence and penetrance estimates, and inheritance mode, an automated score was calculated to assess if this variant is too frequent to cause the disease. Based on the score and internal cut-off values, a variant classified as likely benign is not then subjected to further curation. The score for this variant resulted in a classification of likely benign for this disease.

NM_144585.4(SLC22A12):c.-45C>G

Gene: SLC22A12 (solute carrier family 22 member 12; plus strand). Cytogenetic location: 11q13.1.
Variant type: single nucleotide variant.
Coding change: c.-45C>G on transcript NM_144585.4 (MANE Select); 45 bases upstream of the start codon, C replaced by G.
Molecular consequence: 5 prime UTR variant.
Genome position (GRCh38, 1-based): chr11:64,591,512, C>G. VCF-style: chr11-64591512-C-G. GRCh37 (hg19) VCF-style: chr11-64358984-C-G.
Other names: c.-45C>G (NM_001276326.2, NM_001276327.2); c.-442C>G (NM_153378.3).
Identifiers: ClinVar variation 305227 (VCV000305227.5), dbSNP rs201365068, ClinGen allele CA6076951.
Genomic context (GRCh38, chr11:64,591,512, plus strand): 5'-CTGTGGGCACCACCGTGGGGGAAACAGGCCCGTTGCCCTGGCCTCTTTGCCCTGGGCCAG[C>G]CTTTGTGAAGTGGGCCCCTCTTCTGGGCCCCTTGAGTAGGTTCCATGGCATTTTCTGAAC-3'